The following is an entry in ClinVar:

ClinVar aggregate classification (germline): Likely benign. Review status: criteria provided, single submitter (1 of 4 stars). 2 submissions from 2 submitters: Likely benign (1). 1 of the submissions does not count toward it. Last evaluated 2025-04-17.

Conditions:
RMND1-related disorder. Also called: RMND1-related condition.

Submissions (2):

Labcorp Genetics (formerly Invitae), Labcorp
Classification: Likely benign. Last evaluated: 2025-04-17. Review status: criteria provided, single submitter. Criteria: Invitae Variant Classification Sherloc (09022015). Collection method: clinical testing. Allele origin: germline.

PreventionGenetics, part of Exact Sciences
Classification: Likely benign for RMND1-related condition. Last evaluated: 2019-10-29. Review status: no assertion criteria provided. Collection method: clinical testing. Allele origin: germline. Not counted in ClinVar's aggregate classification.
Comment: This variant is classified as likely benign based on ACMG/AMP sequence variant interpretation guidelines (Richards et al. 2015 PMID: 25741868, with internal and published modifications).

NM_017909.4(RMND1):c.613+4CTT[2]

Gene: RMND1 (required for meiotic nuclear division 1 homolog; minus strand). Cytogenetic location: 6q25.1.
Variant type: Microsatellite.
Coding change: c.613+4CTT[2] on transcript NM_017909.4 (MANE Select); two copies in a row of the 3-base unit CTT starting at c.613+4; the reference has three copies in a row; one copy, 3 bases deleted.
Molecular consequence: intron variant.
Genome position (GRCh38, 1-based): chr6:151,436,434-151,436,436, AAG deleted on the plus strand (CTT on the coding strand, the reverse complement: RMND1 is on the minus strand); deleting any 3 consecutive bases within chr6:151,436,434-151,436,442 gives the same sequence; the position shown is the placement nearest the transcript's 3' end. VCF-style (leftmost placement, unchanged base first): chr6-151436433-CAAG-C. GRCh37 (hg19) VCF-style: chr6-151757568-CAAG-C.
Other names: c.103+4CTT[2] (NM_001271937.2).
Identifiers: ClinVar variation 790731 (VCV000790731.10), dbSNP rs748449497, ClinGen allele CA4050987.